The following is an entry in ClinVar:

ClinVar aggregate classification (germline): Uncertain significance. Review status: criteria provided, multiple submitters, no conflicts (2 of 4 stars). 2 submissions from 2 submitters: Uncertain significance (2). Last evaluated 2025-10-15.

Conditions:
Inborn genetic diseases. Identifiers: MedGen C0950123, MeSH D030342.
Cranioectodermal dysplasia 1 (CED1). Also called: LEVIN SYNDROME I. Identifiers: Orphanet 1515, MedGen C0432235, MONDO:0021093, OMIM 218330.

Allele frequency attached by ClinVar (database versions not stated): gnomAD exomes 0.00002; ExAC 0.00005; TOPMed 0.00005; gnomAD 0.00007; ESP Exome Variant Server 0.00008; 1000 Genomes Project 30x 0.00016; 1000 Genomes Project 0.00020.
gnomAD v4.1: 46 of 1,613,412 alleles (0.0029%); highest among the groups gnomAD compares: African/African-American, 0.02%; no homozygotes.

Submissions (2):

Ambry Genetics
Classification: Uncertain significance for Inborn genetic diseases. Last evaluated: 2025-10-15. Review status: criteria provided, single submitter. Criteria: Ambry Variant Classification Scheme 2023. Collection method: clinical testing. Allele origin: germline.

Labcorp Genetics (formerly Invitae), Labcorp
Classification: Uncertain significance for Cranioectodermal dysplasia 1. Last evaluated: 2025-03-12. Review status: criteria provided, single submitter. Criteria: Invitae Variant Classification Sherloc (09022015). Collection method: clinical testing. Allele origin: germline.
Comment: This sequence change replaces asparagine, which is neutral and polar, with serine, which is neutral and polar, at codon 649 of the IFT122 protein (p.Asn649Ser). This variant is present in population databases (rs139145049, gnomAD 0.02%). This variant has not been reported in the literature in individuals affected with IFT122-related conditions. ClinVar contains an entry for this variant (Variation ID: 2104188). Invitae Evidence Modeling of protein sequence and biophysical properties (such as structural, functional, and spatial information, amino acid conservation, physicochemical variation, residue mobility, and thermodynamic stability) indicates that this missense variant is not expected to disrupt IFT122 protein function with a negative predictive value of 80%. In summary, the available evidence is currently insufficient to determine the role of this variant in disease. Therefore, it has been classified as a Variant of Uncertain Significance.

NM_052989.3(IFT122):c.1793A>G (p.Asn598Ser)

Gene: IFT122 (intraflagellar transport 122; plus strand). Cytogenetic location: 3q21.3.
Variant type: single nucleotide variant.
Coding change: c.1793A>G on transcript NM_052989.3 (MANE Select); coding-DNA position 1793, A replaced by G.
Protein change: p.Asn598Ser; replaces asparagine 598 with serine.
Molecular consequence: missense variant.
Genome position (GRCh38, 1-based): chr3:129,483,624, A>G. VCF-style: chr3-129483624-A-G. GRCh37 (hg19) VCF-style: chr3-129202467-A-G.
Other names: c.1946A>G (NM_052985.2); c.1769A>G, p.Asn590Ser (NM_001280541.2); c.1343A>G, p.Asn448Ser (NM_001280545.2); c.1166A>G, p.Asn389Ser (NM_001280546.2); c.1793A>G, p.Asn598Ser (NM_001410808.1, NM_001410809.1); c.1616A>G, p.Asn539Ser (NM_001410810.1, NM_001410811.1, NM_001410813.1 and 1 more transcripts); c.1460A>G, p.Asn487Ser (NM_001410815.1, NM_001410817.1, NM_052990.3); c.1946A>G, p.Asn649Ser (NM_052985.4); short protein forms N487S, N539S, N389S, N448S, N590S, N649S, N598S.
Identifiers: ClinVar variation 2104188 (VCV002104188.3), dbSNP rs139145049, ClinGen allele CA2606291.